The following is an entry in ClinVar:

NC_000010.10:g.(?_88428449)_(88428561_?)dup

Gene: LDB3 (LIM domain binding 3; plus strand). Cytogenetic location: 10q23.2.
Variant type: Duplication.
Identifiers: ClinVar variation 2423635 (VCV002423635.6).

ClinVar aggregate classification (germline): Uncertain significance (1 of 4 stars; one submission).

Conditions:
Myofibrillar myopathy 4. Also called: Zaspopathy (type). Identifiers: Orphanet 98912, MedGen C4721886, MONDO:0012277, OMIM 609452.

Submission:

Labcorp Genetics (formerly Invitae), Labcorp
Classification: Uncertain significance for Myofibrillar myopathy 4. Last evaluated: 2022-12-09. Review status: criteria provided, single submitter. Criteria: Invitae Variant Classification Sherloc (09022015). Collection method: clinical testing. Allele origin: germline.
Comment: This variant results in a copy number gain of the genomic region encompassing exon(s) 1 of the LDB3 gene. This region includes the initiator codon of the gene. This copy number gain extends beyond the assayed region for this gene and therefore may encompass additional genes. As the precise location of this event is unknown, it may be in tandem or it may be located elsewhere in the genome. In summary, the available evidence is currently insufficient to determine the role of this variant in disease. Therefore, it has been classified as a Variant of Uncertain Significance. Experimental studies and prediction algorithms are not available or were not evaluated, and the functional significance of this variant is currently unknown. This variant has not been reported in the literature in individuals affected with LDB3-related conditions.